The following is an entry in ClinVar:

NM_001166160.2(PPP1R9A):c.2493+4A>C

Gene: PPP1R9A (protein phosphatase 1 regulatory subunit 9A; plus strand). Cytogenetic location: 7q21.3.
Variant type: single nucleotide variant.
Coding change: c.2493+4A>C on transcript NM_001166160.2 (MANE Select); 4 bases into the intron after coding-DNA position 2493, A replaced by C.
Molecular consequence: intron variant.
Genome position (GRCh38, 1-based): chr7:95,251,862, A>C. VCF-style: chr7-95251862-A-C. GRCh37 (hg19) VCF-style: chr7-94881174-A-C.
Other names: NC_000007.13:g.94881174A>C; c.2427+4A>C (NM_017650.3, NM_001166162.1, NM_001166161.1 and 1 more transcripts).
Identifiers: ClinVar variation 3037410 (VCV003037410.3), dbSNP rs200530341, ClinGen allele CA4349662.

ClinVar aggregate classification (germline): Benign (0 of 4 stars; one submission).

Conditions:
PPP1R9A-related disorder. Also called: PPP1R9A-related condition.

Allele frequency attached by ClinVar (database versions not stated): 1000 Genomes Project 30x 0.00062; 1000 Genomes Project 0.00080; TOPMed 0.00396; ESP Exome Variant Server 0.00461.
gnomAD v4.1: 8,979 of 1,613,778 alleles (0.56%); highest among the groups gnomAD compares: Non-Finnish European, 0.66%; 31 homozygotes.

Submissions (3):

PreventionGenetics, part of Exact Sciences
Classification: Benign for PPP1R9A-related condition. Last evaluated: 2019-02-21. Review status: no assertion criteria provided. Collection method: clinical testing. Allele origin: germline.
Comment: This variant is classified as benign based on ACMG/AMP sequence variant interpretation guidelines (Richards et al. 2015 PMID: 25741868, with internal and published modifications).

Dr. Peter K. Rogan Lab, Western University
No classification provided (evidence only). Condition: Acute myeloid leukemia. Review status: no classification provided. Collection method: in vitro. Allele origin: not applicable. Functional consequence: retained intron. Not counted in ClinVar's aggregate classification.

Dr. Peter K. Rogan Lab, Western University
No classification provided (evidence only). Condition: Gastric cancer. Review status: no classification provided. Collection method: in vitro. Allele origin: not applicable. Functional consequence: retained intron. Not counted in ClinVar's aggregate classification.